The following is an entry in ClinVar:

ClinVar aggregate classification (germline): Uncertain significance (1 of 4 stars; one submission).

Conditions:
Aortic valve disease 2 (AOVD2). Identifiers: MedGen C3542024, MONDO:0013902, OMIM 614823.

Submission:

Labcorp Genetics (formerly Invitae), Labcorp
Classification: Uncertain significance for Aortic valve disease 2. Last evaluated: 2025-02-25. Review status: criteria provided, single submitter. Criteria: Invitae Variant Classification Sherloc (09022015). Collection method: clinical testing. Allele origin: germline.
Comment: This variant, c.502_504dup, results in the insertion of 1 amino acid(s) of the SMAD6 protein (p.Leu168dup), but otherwise preserves the integrity of the reading frame. This variant is not present in population databases (gnomAD no frequency). This variant has not been reported in the literature in individuals affected with SMAD6-related conditions. In summary, the available evidence is currently insufficient to determine the role of this variant in disease. Therefore, it has been classified as a Variant of Uncertain Significance.

NM_005585.5(SMAD6):c.493CTG[5] (p.Leu168_Glu169insLeu)

Gene: SMAD6 (SMAD family member 6; plus strand). Cytogenetic location: 15q22.31.
Variant type: Microsatellite.
Coding change: c.493CTG[5] on transcript NM_005585.5 (MANE Select); five copies in a row of the 3-base unit CTG starting at c.493; the reference has four copies in a row; one copy, 3 bases duplicated.
Protein change: p.Leu168_Glu169insLeu.
Molecular consequence: inframe insertion. On other transcripts: non-coding transcript variant (1).
Genome position (GRCh38, 1-based): chr15:66,703,760-66,703,762, CTG duplicated; duplicating any 3 consecutive bases within chr15:66,703,750-66,703,762 gives the same sequence; the position shown is the placement nearest the transcript's 3' end. VCF-style (leftmost placement, unchanged base first): chr15-66703749-G-GGCT. GRCh37 (hg19) VCF-style: chr15-66996087-G-GGCT.
Identifiers: ClinVar variation 2055390 (VCV002055390.4), dbSNP rs769741974, ClinGen allele CA2575767429.